The following is an entry in ClinVar:

NM_032608.7(MYO18B):c.74C>T (p.Ser25Leu)

Gene: MYO18B (myosin XVIIIB; plus strand). Cytogenetic location: 22q12.1.
Variant type: single nucleotide variant.
Coding change: c.74C>T on transcript NM_032608.7 (MANE Select); coding-DNA position 74, C replaced by T.
Protein change: p.Ser25Leu; replaces serine 25 with leucine.
Molecular consequence: missense variant.
Genome position (GRCh38, 1-based): chr22:25,763,265, C>T. VCF-style: chr22-25763265-C-T. GRCh37 (hg19) VCF-style: chr22-26159232-C-T.
Other names: c.74C>T, p.Ser25Leu (NM_001318245.2); c.74C>T (NM_032608.6); short protein forms S25L.
Identifiers: ClinVar variation 1604525 (VCV001604525.11), dbSNP rs79294358, ClinGen allele CA10159486.

ClinVar aggregate classification (germline): Benign/Likely benign. Review status: criteria provided, multiple submitters, no conflicts (2 of 4 stars). 3 submissions from 3 submitters: Benign (1); Likely benign (1). 1 of the submissions does not count toward it. Last evaluated 2025-11-18.

Conditions:
MYO18B-related disorder. Also called: MYO18B-related condition.

Allele frequency attached by ClinVar (database versions not stated): ESP Exome Variant Server 0.00008; gnomAD 0.00026 and 0.00038; TOPMed 0.00036; gnomAD exomes 0.00037 and 0.00053; ExAC 0.00062; 1000 Genomes Project 30x 0.00141; 1000 Genomes Project 0.00160.
gnomAD v4.1: 589 of 1,611,500 alleles (0.037%); highest among the groups gnomAD compares: East Asian, 1%; 5 homozygotes.

Submissions (3):

Labcorp Genetics (formerly Invitae), Labcorp
Classification: Benign. Last evaluated: 2025-11-18. Review status: criteria provided, single submitter. Criteria: Invitae Variant Classification Sherloc (09022015). Collection method: clinical testing. Allele origin: germline.

Blueprint Genetics
Classification: Likely benign. Last evaluated: 2024-11-05. Review status: criteria provided, single submitter. Criteria: ACMG Guidelines, 2015. Collection method: clinical testing. Allele origin: germline.

PreventionGenetics, part of Exact Sciences
Classification: Benign for MYO18B-related condition. Last evaluated: 2020-01-08. Review status: no assertion criteria provided. Collection method: clinical testing. Allele origin: germline. Not counted in ClinVar's aggregate classification.
Comment: This variant is classified as benign based on ACMG/AMP sequence variant interpretation guidelines (Richards et al. 2015 PMID: 25741868, with internal and published modifications).